The following is an entry in ClinVar:

ClinVar aggregate classification (germline): Likely benign (1 of 4 stars; one submission).

Submission:

CeGaT Center for Human Genetics Tuebingen
Classification: Likely benign. Last evaluated: 2024-02-01. Review status: criteria provided, single submitter. Criteria: CeGaT Center For Human Genetics Tuebingen Variant Classification Criteria Version 2. Collection method: clinical testing. Allele origin: germline. Affected: yes. Observed: 1 variant allele.
Comment: AP5Z1: PM2:Supporting, BP4, BP7

NM_014855.3(AP5Z1):c.1239C>T (p.Phe413=)

Gene: AP5Z1 (adaptor related protein complex 5 subunit zeta 1; plus strand). Cytogenetic location: 7p22.1.
Variant type: single nucleotide variant.
Coding change: c.1239C>T on transcript NM_014855.3 (MANE Select); coding-DNA position 1239, C replaced by T.
Protein change: p.Phe413=; no amino-acid change (phenylalanine 413 retained).
Molecular consequence: synonymous variant. On other transcripts: non-coding transcript variant (1).
Genome position (GRCh38, 1-based): chr7:4,786,356, C>T. VCF-style: chr7-4786356-C-T. GRCh37 (hg19) VCF-style: chr7-4825987-C-T.
Other names: c.771C>T, p.Phe257= (NM_001364858.1).
Identifiers: ClinVar variation 3027263 (VCV003027263.22), dbSNP rs746439730, ClinGen allele CA453473146.